The following is an entry in ClinVar:

ClinVar aggregate classification (germline): Uncertain significance (1 of 4 stars; one submission).

gnomAD v4.1: 6 of 1,611,896 alleles (0.00037%); highest among the groups gnomAD compares: South Asian, 0.0033%; no homozygotes.

Submission:

Labcorp Genetics (formerly Invitae), Labcorp
Classification: Uncertain significance. Last evaluated: 2025-04-18. Review status: criteria provided, single submitter. Criteria: Invitae Variant Classification Sherloc (09022015). Collection method: clinical testing. Allele origin: germline.
Comment: This sequence change affects codon 188 of the GINS1 mRNA. It is a 'silent' change, meaning that it does not change the encoded amino acid sequence of the GINS1 protein. This variant is present in population databases (rs751738376, gnomAD 0.0009%). This variant has not been reported in the literature in individuals affected with GINS1-related conditions. Algorithms developed to predict the effect of sequence changes on RNA splicing suggest that this variant may disrupt the consensus splice site. In summary, the available evidence is currently insufficient to determine the role of this variant in disease. Therefore, it has been classified as a Variant of Uncertain Significance.

NM_021067.5(GINS1):c.564A>G (p.Gln188=)

Gene: GINS1 (GINS complex subunit 1; plus strand). Cytogenetic location: 20p11.21.
Variant type: single nucleotide variant.
Coding change: c.564A>G on transcript NM_021067.5 (MANE Select); coding-DNA position 564, A replaced by G.
Protein change: p.Gln188=; no amino-acid change (glutamine 188 retained).
Molecular consequence: synonymous variant. On other transcripts: non-coding transcript variant (1).
Genome position (GRCh38, 1-based): chr20:25,445,964, A>G. VCF-style: chr20-25445964-A-G. GRCh37 (hg19) VCF-style: chr20-25426600-A-G.
Other names: c.447A>G, p.Gln149= (NM_001410830.1); c.309A>G, p.Gln103= (NM_001410831.1).
Identifiers: ClinVar variation 4699064 (VCV004699064.1).
Genomic context (GRCh38, chr20:25,445,964, plus strand): 5'-TCCCTTCTTGTCCCCTCAGCACTTTTTACCTCGATGGAAATGTGAGCAGCTGATCAGACA[A>G]GGAGTCCTGGAGCACATCCTGTCATGACCATGCGCCGAGGCACTTCCAGGCTTCACTCAA-3'
Protein context (NP_066545.3, residues 178-196): PRWKCEQLIR[Gln188=]GVLEHILS